The following is an entry in ClinVar:

NM_006389.5(HYOU1):c.2376+19C>T

Gene: HYOU1 (hypoxia up-regulated 1; minus strand). Cytogenetic location: 11q23.3.
Variant type: single nucleotide variant.
Coding change: c.2376+19C>T on transcript NM_006389.5 (MANE Select); 19 bases into the intron after coding-DNA position 2376, C replaced by T.
Molecular consequence: intron variant.
Genome position (GRCh38, 1-based): chr11:119,048,229, G>A on the plus strand (C>T on the coding strand, the complement: HYOU1 is on the minus strand). VCF-style: chr11-119048229-G-A. GRCh37 (hg19) VCF-style: chr11-118918941-G-A.
Other names: c.2376+19C>T (NM_001130991.3, NM_001411041.1).
Identifiers: ClinVar variation 2993905 (VCV002993905.3), dbSNP rs951255131, ClinGen allele CA229618444.
Genomic context (GRCh38, chr11:119,048,229, plus strand): 5'-CCAGCTCTTCTCTCTCTCTGACCCTGGGAGAGGAAGGAGAGCTCCCACTCCACCTGCCAT[G>A]TCCTGAGAGGCCCCTCACCACTGTGGTGGCTCCAACACCCTCATCCTCCAGCCAGGTGGA-3'

ClinVar aggregate classification (germline): Uncertain significance (1 of 4 stars; one submission).

Allele frequency attached by ClinVar (database versions not stated): TOPMed below 0.00001; gnomAD exomes 0.00001.
gnomAD v4.1: 7 of 1,609,896 alleles (0.00043%); highest among the groups gnomAD compares: Non-Finnish European, 0.00059%; no homozygotes.

Submission:

Labcorp Genetics (formerly Invitae), Labcorp
Classification: Uncertain significance. Last evaluated: 2023-02-09. Review status: criteria provided, single submitter. Criteria: Invitae Variant Classification Sherloc (09022015). Collection method: clinical testing. Allele origin: germline.
Comment: This sequence change falls in intron 20 of the HYOU1 gene. It does not directly change the encoded amino acid sequence of the HYOU1 protein. In summary, the available evidence is currently insufficient to determine the role of this variant in disease. Therefore, it has been classified as a Variant of Uncertain Significance. This variant has not been reported in the literature in individuals affected with HYOU1-related conditions. This variant is not present in population databases (gnomAD no frequency).